The following is an entry in ClinVar:

NM_181882.3(PRX):c.4265G>A (p.Arg1422Gln)

Gene: PRX (periaxin; minus strand). Cytogenetic location: 19q13.2.
Variant type: single nucleotide variant.
Coding change: c.4265G>A on transcript NM_181882.3 (MANE Select); coding-DNA position 4265, G replaced by A.
Protein change: p.Arg1422Gln; replaces arginine 1422 with glutamine.
Molecular consequence: missense variant. On other transcripts: 3 prime UTR variant (1).
Genome position (GRCh38, 1-based): chr19:40,394,087, C>T on the plus strand (G>A on the coding strand, the complement: PRX is on the minus strand). VCF-style: chr19-40394087-C-T. GRCh37 (hg19) VCF-style: chr19-40899994-C-T.
Other names: c.*4470G>A (NM_020956.2); short protein forms R1422Q.
Identifiers: ClinVar variation 661689 (VCV000661689.7), dbSNP rs142436702, ClinGen allele CA9443651.
Genomic context (GRCh38, chr19:40,394,087, plus strand): 5'-AACCCCACGCTGGGCAGCCGCACCCGCAATCCACCCTCTTCCTGGTCCCCACTCCCACTC[C>T]GGGCCTTGGGGCTTAGGGACACCCTGGGGAAGCGGAACTTGGGTGACTTCTCTCTGACGG-3'
Protein context (NP_870998.2, residues 1412-1432): FPRVSLSPKA[Arg1422Gln]SGSGDQEEGG

ClinVar aggregate classification (germline): Uncertain significance. Review status: criteria provided, multiple submitters, no conflicts (2 of 4 stars). 2 submissions from 2 submitters: Uncertain significance (2). Last evaluated 2025-08-12.

Conditions:
Inborn genetic diseases. Identifiers: MedGen C0950123, MeSH D030342.
Charcot-Marie-Tooth disease type 4. Also called: Charcot-Marie-Tooth disease, type IV; Charcot-Marie-Tooth, Type 4. Identifiers: Orphanet 64749, MedGen C4082197, MONDO:0018995.

Allele frequency attached by ClinVar (database versions not stated): gnomAD exomes 0.00003 and 0.00009; ExAC 0.00009; gnomAD 0.00027 and 0.00029; TOPMed 0.00027; ESP Exome Variant Server 0.00031.
gnomAD v4.1: 86 of 1,611,184 alleles (0.0053%); highest among the groups gnomAD compares: African/African-American, 0.088%; no homozygotes.

Submissions (2):

Ambry Genetics
Classification: Uncertain significance for Inborn genetic diseases. Last evaluated: 2025-08-12. Review status: criteria provided, single submitter. Criteria: Ambry Variant Classification Scheme 2023. Collection method: clinical testing. Allele origin: germline.

Labcorp Genetics (formerly Invitae), Labcorp
Classification: Uncertain significance for Charcot-Marie-Tooth disease type 4. Last evaluated: 2022-09-12. Review status: criteria provided, single submitter. Criteria: Invitae Variant Classification Sherloc (09022015). Collection method: clinical testing. Allele origin: germline.
Comment: This sequence change replaces arginine, which is basic and polar, with glutamine, which is neutral and polar, at codon 1422 of the PRX protein (p.Arg1422Gln). This variant is present in population databases (rs142436702, gnomAD 0.1%). This variant has not been reported in the literature in individuals affected with PRX-related conditions. ClinVar contains an entry for this variant (Variation ID: 661689). Advanced modeling of protein sequence and biophysical properties (such as structural, functional, and spatial information, amino acid conservation, physicochemical variation, residue mobility, and thermodynamic stability) performed at Invitae indicates that this missense variant is not expected to disrupt PRX protein function. In summary, the available evidence is currently insufficient to determine the role of this variant in disease. Therefore, it has been classified as a Variant of Uncertain Significance.